The following is an entry in ClinVar:

NM_003001.5(SDHC):c.212A>G (p.His71Arg)

Gene: SDHC (succinate dehydrogenase complex subunit C; plus strand). Cytogenetic location: 1q23.3.
Variant type: single nucleotide variant.
Coding change: c.212A>G on transcript NM_003001.5 (MANE Select); coding-DNA position 212, A replaced by G.
Protein change: p.His71Arg; replaces histidine 71 with arginine.
Molecular consequence: missense variant. On other transcripts: non-coding transcript variant (1).
Genome position (GRCh38, 1-based): chr1:161,340,626, A>G. VCF-style: chr1-161340626-A-G. GRCh37 (hg19) VCF-style: chr1-161310416-A-G.
Other names: c.212A>G, p.His71Arg (NM_001035511.3); c.110A>G, p.His37Arg (NM_001035512.3, NM_001278172.3, NM_001407118.1); c.53A>G, p.His18Arg (NM_001035513.3); c.332A>G, p.His111Arg (NM_001407115.1); c.155A>G, p.His52Arg (NM_001407116.1, NM_001407117.1, NM_001407121.1); c.101A>G, p.His34Arg (NM_001407119.1, NM_001407120.1); short protein forms H18R, H52R, H37R, H111R, H71R, H34R.
Identifiers: ClinVar variation 4788268 (VCV004788268.1).

ClinVar aggregate classification (germline): Uncertain significance (1 of 4 stars; one submission).

Conditions:
Pheochromocytoma/paraganglioma syndrome 3. Also called: GLOMUS TUMORS, FAMILIAL, 3; Paragangliomas 3; SDHC-Related Hereditary Paraganglioma-Pheochromocytoma Syndrome (Paragangliomas 3); SDHC-Related Hereditary Paraganglioma-Pheochromocytoma Syndrome. Identifiers: Orphanet 29072, MedGen C1854336, MONDO:0011544, OMIM 605373.
Gastrointestinal stromal tumor. Also called: Gastrointestinal stroma tumor; Gastrointestinal stromal tumor, somatic. Identifiers: Orphanet 44890, MedGen C0238198, MeSH D046152, MONDO:0011719, OMIM 606764, HP:0100723.

Submission:

Labcorp Genetics (formerly Invitae), Labcorp
Classification: Uncertain significance for Pheochromocytoma/paraganglioma syndrome 3; Gastrointestinal stromal tumor. Last evaluated: 2025-10-18. Review status: criteria provided, single submitter. Criteria: Invitae Variant Classification Sherloc (09022015). Collection method: clinical testing. Allele origin: germline.
Comment: This sequence change replaces histidine, which is basic and polar, with arginine, which is basic and polar, at codon 71 of the SDHC protein (p.His71Arg). This variant is not present in population databases (gnomAD no frequency). This variant has not been reported in the literature in individuals affected with SDHC-related conditions. Invitae Evidence Modeling of protein sequence and biophysical properties (such as structural, functional, and spatial information, amino acid conservation, physicochemical variation, residue mobility, and thermodynamic stability) indicates that this missense variant is expected to disrupt SDHC protein function with a positive predictive value of 95%. In summary, the available evidence is currently insufficient to determine the role of this variant in disease. Therefore, it has been classified as a Variant of Uncertain Significance.